The following is an entry in ClinVar:

ClinVar aggregate classification (germline): Uncertain significance (1 of 4 stars; one submission).

gnomAD v4.1: 2 of 1,614,084 alleles (0.00012%); highest among the groups gnomAD compares: Admixed American, 0.0033%; no homozygotes.

Submission:

Ambry Genetics
Classification: Uncertain significance. Last evaluated: 2025-08-06. Review status: criteria provided, single submitter. Criteria: Ambry Variant Classification Scheme 2023. Collection method: clinical testing. Allele origin: germline.
Comment: The p.F115C variant (also known as c.344T>G), located in coding exon 4 of the PDLIM3 gene, results from a T to G substitution at nucleotide position 344. The phenylalanine at codon 115 is replaced by cysteine, an amino acid with highly dissimilar properties. This amino acid position is conserved. In addition, the in silico prediction for this alteration is inconclusive. Based on the available evidence, the clinical significance of this variant remains unclear.

NM_014476.6(PDLIM3):c.344T>G (p.Phe115Cys)

Genes: PDLIM3 (PDZ and LIM domain 3; minus strand), LOC126807246 (BRD4-independent group 4 enhancer GRCh37_chr4:186434842-186436041; plus strand). Cytogenetic location: 4q35.1.
Variant type: single nucleotide variant.
Coding change: c.344T>G on transcript NM_014476.6 (MANE Select); coding-DNA position 344, T replaced by G.
Protein change: p.Phe115Cys; replaces phenylalanine 115 with cysteine.
Molecular consequence: missense variant. On other transcripts: intron variant (1).
Genome position (GRCh38, 1-based): chr4:185,514,324, A>C on the plus strand (T>G on the coding strand, the complement: PDLIM3 is on the minus strand). VCF-style: chr4-185514324-A-C. GRCh37 (hg19) VCF-style: chr4-186435478-A-C.
Other names: c.344T>G, p.Phe115Cys (NM_001257962.2); c.107T>G, p.Phe36Cys (NM_001257963.2); c.518+379T>G (NM_001114107.5); short protein forms F115C, F36C.
Identifiers: ClinVar variation 4134213 (VCV004134213.1).